The following is an entry in ClinVar:

NM_020937.4(FANCM):c.5692G>A (p.Val1898Met)

Gene: FANCM (FA complementation group M; plus strand). Cytogenetic location: 14q21.2.
Variant type: single nucleotide variant.
Coding change: c.5692G>A on transcript NM_020937.4 (MANE Select); coding-DNA position 5692, G replaced by A.
Protein change: p.Val1898Met; replaces valine 1898 with methionine.
Molecular consequence: missense variant.
Genome position (GRCh38, 1-based): chr14:45,196,523, G>A. VCF-style: chr14-45196523-G-A. GRCh37 (hg19) VCF-style: chr14-45665726-G-A.
Other names: c.5614G>A, p.Val1872Met (NM_001308133.2); short protein forms V1898M, V1872M.
Identifiers: ClinVar variation 2728423 (VCV002728423.3), dbSNP rs1203090548, ClinGen allele CA389586433.
Genomic context (GRCh38, chr14:45,196,523, plus strand): 5'-AACAAGTTCATTGAGCAGATCCAGCACCTGCAGAGTATGTTTGAAAGAATATGTGTGATT[G>A]TGGAAAAGGACAGAGAAAAAACAGGTTTGTATTTTTAAATATCTTTGTTTATAAGACTGT-3'
Protein context (NP_065988.1, residues 1888-1908): QSMFERICVI[Val1898Met]EKDREKTGDT

ClinVar aggregate classification (germline): Uncertain significance (1 of 4 stars; one submission).

Conditions:
Fanconi anemia (FA). Also called: Fanconi's anemia. Identifiers: Orphanet 84, MedGen C0015625, MeSH D005199, MONDO:0019391.

Allele frequency attached by ClinVar (database versions not stated): gnomAD exomes below 0.00001; TOPMed 0.00002; gnomAD 0.00001.
gnomAD v4.1: 7 of 1,613,836 alleles (0.00043%); highest among the groups gnomAD compares: Non-Finnish European, 0.00051%; no homozygotes.

Submission:

Labcorp Genetics (formerly Invitae), Labcorp
Classification: Uncertain significance for Fanconi anemia. Last evaluated: 2025-07-09. Review status: criteria provided, single submitter. Criteria: Invitae Variant Classification Sherloc (09022015). Collection method: clinical testing. Allele origin: germline.
Comment: This sequence change replaces valine, which is neutral and non-polar, with methionine, which is neutral and non-polar, at codon 1898 of the FANCM protein (p.Val1898Met). This variant is present in population databases (no rsID available, gnomAD 0.003%). This variant has not been reported in the literature in individuals affected with FANCM-related conditions. ClinVar contains an entry for this variant (Variation ID: 2728423). An algorithm developed to predict the effect of missense changes on protein structure and function (PolyPhen-2) suggests that this variant is likely to be disruptive. In summary, the available evidence is currently insufficient to determine the role of this variant in disease. Therefore, it has been classified as a Variant of Uncertain Significance.